The following is an entry in ClinVar:

NM_002227.4(JAK1):c.3378A>G (p.Gln1126=)

Gene: JAK1 (Janus kinase 1; minus strand). Cytogenetic location: 1p31.3.
Variant type: single nucleotide variant.
Coding change: c.3378A>G on transcript NM_002227.4 (MANE Select); coding-DNA position 3378, A replaced by G.
Protein change: p.Gln1126=; no amino-acid change (glutamine 1126 retained).
Molecular consequence: synonymous variant.
Genome position (GRCh38, 1-based): chr1:64,834,649, T>C on the plus strand (A>G on the coding strand, the complement: JAK1 is on the minus strand). VCF-style: chr1-64834649-T-C. GRCh37 (hg19) VCF-style: chr1-65300332-T-C.
Other names: c.3378A>G (NM_002227.3); c.3378A>G, p.Gln1126= (NM_001320923.2, NM_001321852.2, NM_001321853.2 and 3 more transcripts); c.3375A>G, p.Gln1125= (NM_001321857.2).
Identifiers: ClinVar variation 740564 (VCV000740564.13), dbSNP rs1129739, ClinGen allele CA892443.
Genomic context (GRCh38, chr1:64,834,649, plus strand): 5'-AATAAGGTTCTGAAAGCTTGTCCGATTGGATGGTTGGAATTCCCAGCATTTCCTCATAAG[T>C]TGATAAACCTGTAAAAAGAAAGAAGTAACAACAGTAAAAATGTTAGATCTGGGAACTTTA-3'
Protein context (NP_002218.2, residues 1116-1136): CPPNCPDEVY[Gln1126=]LMRKCWEFQP

ClinVar aggregate classification (germline): Benign/Likely benign. Review status: criteria provided, multiple submitters, no conflicts (2 of 4 stars). 3 submissions from 3 submitters: Benign (1); Likely benign (1). 1 of the submissions does not count toward it. Last evaluated 2025-12-27.

Conditions:
JAK1-related disorder. Also called: JAK1-related condition.

Allele frequency attached by ClinVar (database versions not stated): gnomAD exomes 0.00008 and 0.00043; ESP Exome Variant Server 0.00017; gnomAD 0.00019 and 0.00021; TOPMed 0.00036; ExAC 0.00044; 1000 Genomes Project 30x 0.00047; 1000 Genomes Project 0.00060.
gnomAD v4.1: 163 of 1,605,514 alleles (0.01%); highest among the groups gnomAD compares: East Asian, 0.29%; no homozygotes.

Submissions (6):

Labcorp Genetics (formerly Invitae), Labcorp
Classification: Benign. Last evaluated: 2025-12-27. Review status: criteria provided, single submitter. Criteria: Invitae Variant Classification Sherloc (09022015). Collection method: clinical testing. Allele origin: germline.

Blueprint Genetics
Classification: Likely benign. Last evaluated: 2024-03-07. Review status: criteria provided, single submitter. Criteria: ACMG Guidelines, 2015. Collection method: clinical testing. Allele origin: germline.

PreventionGenetics, part of Exact Sciences
Classification: Likely benign for JAK1-related condition. Last evaluated: 2019-04-01. Review status: no assertion criteria provided. Collection method: clinical testing. Allele origin: germline. Not counted in ClinVar's aggregate classification.
Comment: This variant is classified as likely benign based on ACMG/AMP sequence variant interpretation guidelines (Richards et al. 2015 PMID: 25741868, with internal and published modifications).

Dr. Peter K. Rogan Lab, Western University
No classification provided (evidence only). Condition: Thyroid cancer, nonmedullary, 1. Review status: no classification provided. Collection method: in vitro. Allele origin: not applicable. Functional consequence: retained intron. Not counted in ClinVar's aggregate classification.

Dr. Peter K. Rogan Lab, Western University
No classification provided (evidence only). Condition: Malignant lymphoma, large B-cell, diffuse. Review status: no classification provided. Collection method: in vitro. Allele origin: not applicable. Functional consequence: retained intron. Not counted in ClinVar's aggregate classification.

Dr. Peter K. Rogan Lab, Western University
No classification provided (evidence only). Condition: Malignant tumor of esophagus. Review status: no classification provided. Collection method: in vitro. Allele origin: not applicable. Functional consequence: retained intron. Not counted in ClinVar's aggregate classification.